The following is an entry in ClinVar:

NM_016630.7(SPG21):c.538G>A (p.Ala180Thr)

Gene: SPG21 (SPG21 abhydrolase domain containing, maspardin; minus strand). Cytogenetic location: 15q22.31.
Variant type: single nucleotide variant.
Coding change: c.538G>A on transcript NM_016630.7 (MANE Select); coding-DNA position 538, G replaced by A.
Protein change: p.Ala180Thr; replaces alanine 180 with threonine.
Molecular consequence: missense variant.
Genome position (GRCh38, 1-based): chr15:64,970,137, C>T on the plus strand (G>A on the coding strand, the complement: SPG21 is on the minus strand). VCF-style: chr15-64970137-C-T. GRCh37 (hg19) VCF-style: chr15-65262475-C-T.
Other names: c.538G>A, p.Ala180Thr (NM_001127889.5); c.457G>A, p.Ala153Thr (NM_001127890.5); short protein forms A180T, A153T.
Identifiers: ClinVar variation 316720 (VCV000316720.59), dbSNP rs149251662, ClinGen allele CA7612942.
Genomic context (GRCh38, chr15:64,970,137, plus strand): 5'-ATACAATGTGTCCCCAACCCAATGTCATGATCCTTACCCTGTCTACCATGAAATCAATGG[C>T]ATCAGCCATCATAGGGTCCACCGGGCCAGATGAAAAATTTCCAAGAACTATTTTTTTGAG-3'
Protein context (NP_057714.1, residues 170-190): SGPVDPMMAD[Ala180Thr]IDFMVDRLES

ClinVar aggregate classification (germline): Conflicting classifications of pathogenicity. Review status: criteria provided, conflicting classifications (1 of 4 stars). 6 submissions from 6 submitters: Uncertain significance (4); Likely benign (2). Last evaluated 2025-06-27.

Conditions:
Mast syndrome. Also called: SPASTIC PARAPLEGIA 21, AUTOSOMAL RECESSIVE. Identifiers: Orphanet 101001, MedGen C1855346, MONDO:0009568, OMIM 248900.
Hereditary spastic paraplegia. Also called: Familial spastic paraparesis. Identifiers: Orphanet 685, MedGen C0037773, MONDO:0019064. Disease mechanism: loss of function.

Allele frequency attached by ClinVar (database versions not stated): gnomAD exomes 0.00094 and 0.00150; ExAC 0.00097; gnomAD 0.00113 and 0.00121; TOPMed 0.00136; ESP Exome Variant Server 0.00169.
gnomAD v4.1: 2,362 of 1,614,058 alleles (0.15%); highest among the groups gnomAD compares: Non-Finnish European, 0.18%; 4 homozygotes.

Submissions (6):

Mayo Clinic Laboratories, Mayo Clinic
Classification: Likely benign. Last evaluated: 2025-06-27. Review status: criteria provided, single submitter. Criteria: ACMG Guidelines, 2015. Collection method: clinical testing. Allele origin: germline. Observed: 10 variant alleles.
Comment: BS1, BP4_moderate

Athena Diagnostics
Classification: Likely benign. Last evaluated: 2025-05-14. Review status: criteria provided, single submitter. Criteria: Athena Diagnostics Criteria. Collection method: clinical testing. Allele origin: unknown.
Comment: The frequency of this variant in the general population is higher than would generally be expected for pathogenic variants in this gene.

CeGaT Center for Human Genetics Tuebingen
Classification: Uncertain significance. Last evaluated: 2025-04-01. Review status: criteria provided, single submitter. Criteria: CeGaT Center For Human Genetics Tuebingen Variant Classification Criteria Version 2. Collection method: clinical testing. Allele origin: germline. Affected: yes. Observed: 2 variant alleles.

Labcorp Genetics (formerly Invitae), Labcorp
Classification: Uncertain significance for Mast syndrome. Last evaluated: 2025-01-13. Review status: criteria provided, single submitter. Criteria: Invitae Variant Classification Sherloc (09022015). Collection method: clinical testing. Allele origin: germline.
Comment: This sequence change replaces alanine, which is neutral and non-polar, with threonine, which is neutral and polar, at codon 180 of the SPG21 protein (p.Ala180Thr). This variant is present in population databases (rs149251662, gnomAD 0.1%), and has an allele count higher than expected for a pathogenic variant. This variant has not been reported in the literature in individuals affected with SPG21-related conditions. ClinVar contains an entry for this variant (Variation ID: 316720). Invitae Evidence Modeling of protein sequence and biophysical properties (such as structural, functional, and spatial information, amino acid conservation, physicochemical variation, residue mobility, and thermodynamic stability) indicates that this missense variant is not expected to disrupt SPG21 protein function with a negative predictive value of 80%. In summary, the available evidence is currently insufficient to determine the role of this variant in disease. Therefore, it has been classified as a Variant of Uncertain Significance.

Genome Diagnostics Laboratory, The Hospital for Sick Children
Classification: Uncertain significance for Hereditary spastic paraplegia. Last evaluated: 2021-05-14. Review status: criteria provided, single submitter. Criteria: ACMG Guidelines, 2015. Collection method: clinical testing. Allele origin: germline. Affected: yes.

Illumina Laboratory Services, Illumina
Classification: Uncertain significance for Mast syndrome. Last evaluated: 2018-01-13. Review status: criteria provided, single submitter. Criteria: ICSL Variant Classification Criteria 13 December 2019. Collection method: clinical testing. Allele origin: germline.

Literature cited by the submitters: PubMed 29908077 (cited by Athena Diagnostics).